The following is an entry in ClinVar:

NM_003172.4(SURF1):c.324-3C>G

Gene: SURF1 (SURF1 cytochrome c oxidase assembly factor; minus strand). Cytogenetic location: 9q34.2.
Variant type: single nucleotide variant.
Coding change: c.324-3C>G on transcript NM_003172.4 (MANE Select); 3 bases into the intron before coding-DNA position 324, C replaced by G.
Molecular consequence: intron variant.
Genome position (GRCh38, 1-based): chr9:133,353,943, G>C on the plus strand (C>G on the coding strand, the complement: SURF1 is on the minus strand). VCF-style: chr9-133353943-G-C. GRCh37 (hg19) VCF-style: chr9-136220798-G-C.
Other names: c.-4-3C>G (NM_001280787.1).
Identifiers: ClinVar variation 1506091 (VCV001506091.6), dbSNP rs2119083618, ClinGen allele CA2573144060.

ClinVar aggregate classification (germline): Uncertain significance (1 of 4 stars; one submission).

Conditions:
Leigh syndrome (NULS). Also called: Subacute necrotizing encephalopathy; Necrotizing encephalopathy infantile subacute of Leigh; Leigh's necrotizing encephalopathy; Leigh's disease; Leigh Syndrome (mtDNA deletion); LEIGH SYNDROME, NUCLEAR. Identifiers: Orphanet 506, MedGen C2931891, MONDO:0009723, OMIM 256000.

Submission:

Labcorp Genetics (formerly Invitae), Labcorp
Classification: Uncertain significance for Leigh syndrome. Last evaluated: 2023-08-17. Review status: criteria provided, single submitter. Criteria: Invitae Variant Classification Sherloc (09022015). Collection method: clinical testing. Allele origin: germline.
Comment: In summary, the available evidence is currently insufficient to determine the role of this variant in disease. Therefore, it has been classified as a Variant of Uncertain Significance. Variants that disrupt the consensus splice site are a relatively common cause of aberrant splicing (PMID: 17576681, 9536098). Algorithms developed to predict the effect of sequence changes on RNA splicing suggest that this variant may disrupt the consensus splice site. ClinVar contains an entry for this variant (Variation ID: 1506091). This variant has not been reported in the literature in individuals affected with SURF1-related conditions. This variant is not present in population databases (gnomAD no frequency). This sequence change falls in intron 4 of the SURF1 gene. It does not directly change the encoded amino acid sequence of the SURF1 protein. It affects a nucleotide within the consensus splice site.

Literature cited by the submitters: PubMed 17576681; PubMed 9536098.